The following is an entry in ClinVar:

NM_024741.3(ZNF408):c.1114G>T (p.Ala372Ser)

Gene: ZNF408 (zinc finger protein 408; plus strand). Cytogenetic location: 11p11.2.
Variant type: single nucleotide variant.
Coding change: c.1114G>T on transcript NM_024741.3 (MANE Select); coding-DNA position 1114, G replaced by T.
Protein change: p.Ala372Ser; replaces alanine 372 with serine.
Molecular consequence: missense variant.
Genome position (GRCh38, 1-based): chr11:46,704,814, G>T. VCF-style: chr11-46704814-G-T. GRCh37 (hg19) VCF-style: chr11-46726364-G-T.
Other names: c.1090G>T, p.Ala364Ser (NM_001184751.2); short protein forms A372S, A364S.
Identifiers: ClinVar variation 2998480 (VCV002998480.4), dbSNP rs141624151, ClinGen allele CA380254879.

ClinVar aggregate classification (germline): Uncertain significance. Review status: criteria provided, multiple submitters, no conflicts (2 of 4 stars). 2 submissions from 2 submitters: Uncertain significance (2). Last evaluated 2023-10-29.

gnomAD v4.1: 5 of 1,599,912 alleles (0.00031%); highest among the groups gnomAD compares: Admixed American, 0.0017%; no homozygotes.

Submissions (2):

Labcorp Genetics (formerly Invitae), Labcorp
Classification: Uncertain significance. Last evaluated: 2023-10-29. Review status: criteria provided, single submitter. Criteria: Invitae Variant Classification Sherloc (09022015). Collection method: clinical testing. Allele origin: germline.
Comment: This sequence change replaces alanine, which is neutral and non-polar, with serine, which is neutral and polar, at codon 372 of the ZNF408 protein (p.Ala372Ser). The frequency data for this variant in the population databases is considered unreliable, as metrics indicate poor data quality at this position in the gnomAD database. This variant has not been reported in the literature in individuals affected with ZNF408-related conditions. An algorithm developed to predict the effect of missense changes on protein structure and function (PolyPhen-2) suggests that this variant is likely to be tolerated. In summary, the available evidence is currently insufficient to determine the role of this variant in disease. Therefore, it has been classified as a Variant of Uncertain Significance.

Blueprint Genetics
Classification: Uncertain significance. Last evaluated: 2019-12-30. Review status: criteria provided, single submitter. Criteria: ACMG Guidelines, 2015. Collection method: clinical testing. Allele origin: germline.